The following is an entry in ClinVar:

NM_017777.4(MKS1):c.418-4C>G

Gene: MKS1 (MKS transition zone complex subunit 1; minus strand). Cytogenetic location: 17q22.
Variant type: single nucleotide variant.
Coding change: c.418-4C>G on transcript NM_017777.4 (MANE Select); 4 bases into the intron before coding-DNA position 418, C replaced by G.
Molecular consequence: intron variant.
Genome position (GRCh38, 1-based): chr17:58,214,842, G>C on the plus strand (C>G on the coding strand, the complement: MKS1 is on the minus strand). VCF-style: chr17-58214842-G-C. GRCh37 (hg19) VCF-style: chr17-56292203-G-C.
Other names: c.418-4C>G (NM_017777.3, NM_001330397.2, NM_001321269.2); c.-94-455C>G (NM_001321268.2).
Identifiers: ClinVar variation 1570540 (VCV001570540.9), dbSNP rs2143809915, ClinGen allele CA2573154391.

ClinVar aggregate classification (germline): Conflicting classifications of pathogenicity. Review status: criteria provided, conflicting classifications (1 of 4 stars). 2 submissions from 2 submitters: Uncertain significance (1); Likely benign (1). Last evaluated 2026-08-11.

Conditions:
MKS1-related disorder. Also called: MKS1-related condition; MKS1-related disorders. Identifiers: MedGen CN239382.
Joubert syndrome. Also called: Familial aplasia of the vermis; JOUBERT-BOLTSHAUSER SYNDROME. Identifiers: Orphanet 475, MedGen C5979921, MONDO:0018772.
Meckel-Gruber syndrome. Also called: Dysencephalia splachnocystica; DYSENCEPHALIA SPLANCHNOCYSTICA; GRUBER SYNDROME. Identifiers: Orphanet 564, MedGen C0265215, MONDO:0018921.

gnomAD v4.1: 4 of 1,599,222 alleles (0.00025%); highest among the groups gnomAD compares: Middle Eastern, 0.017%; no homozygotes.

Submissions (2):

PreventionGenetics, part of Exact Sciences
Classification: Uncertain significance for MKS1-related condition. Last evaluated: 2026-08-11. Review status: criteria provided, single submitter. Criteria: ACMG Guidelines, 2015. Collection method: clinical testing. Allele origin: germline.
Comment: The MKS1 c.418-4C>G variant is predicted to interfere with splicing. This variant is predicted to impact splicing based on a splicing prediction program (SpliceAI, Jaganathan et al. 2019. PubMed ID: 30661751). To our knowledge, this variant has not been reported in the literature or in a large population database (gnomAD), indicating this variant is rare. At this time, the clinical significance of this variant is uncertain due to the absence of conclusive functional and genetic evidence.

Labcorp Genetics (formerly Invitae), Labcorp
Classification: Likely benign for Joubert syndrome; Meckel-Gruber syndrome. Last evaluated: 2023-08-28. Review status: criteria provided, single submitter. Criteria: Invitae Variant Classification Sherloc (09022015). Collection method: clinical testing. Allele origin: germline.